The following is an entry in ClinVar:

ClinVar aggregate classification (germline): Uncertain significance (1 of 4 stars; one submission).

Conditions:
Coffin-Siris syndrome 8. Identifiers: MedGen C5193054, MONDO:0032702, OMIM 618362.

Submission:

Dasa
Classification: Uncertain significance for Coffin-Siris syndrome 8. Last evaluated: 2025-04-18. Review status: criteria provided, single submitter. Criteria: DASA Assertion Criteria. Collection method: clinical testing. Allele origin: germline.
Comment: NM_001330288.2(SMARCC2):c.1805A>G (p.Asp602Gly) is a missense variant that results in the substitution of aspartic acid with glycine. This variant is absent from population databases. Computational prediction algorithms are consistent with a benign effect. The currently available literature and clinical evidence are not sufficient to establish a definitive association between this variant and the reported condition. Therefore, this variant is classified as a variant of uncertain significance.

NM_001330288.2(SMARCC2):c.1805A>G (p.Asp602Gly)

Gene: SMARCC2 (SWI/SNF related BAF chromatin remodeling complex subunit C2; minus strand). Cytogenetic location: 12q13.2.
Variant type: single nucleotide variant.
Coding change: c.1805A>G on transcript NM_001330288.2 (MANE Select); coding-DNA position 1805, A replaced by G.
Protein change: p.Asp602Gly; replaces aspartic acid 602 with glycine.
Molecular consequence: missense variant.
Genome position (GRCh38, 1-based): chr12:56,172,643, T>C on the plus strand (A>G on the coding strand, the complement: SMARCC2 is on the minus strand). VCF-style: chr12-56172643-T-C. GRCh37 (hg19) VCF-style: chr12-56566427-T-C.
Other names: c.1805A>G, p.Asp602Gly (NM_001130420.3, NM_139067.4); c.1712A>G, p.Asp571Gly (NM_003075.5); short protein forms D571G, D602G.
Identifiers: ClinVar variation 4882849 (VCV004882849.2).
Genomic context (GRCh38, chr12:56,172,643, plus strand): 5'-ACCTTGGAGGGAACATTCTTTTTTGTGTACATGTCTGTGCGCAGCCCAAAGTTTTGCATG[T>C]CTGTTGGTTTCTCTTTGCCTTTGTCAGGAAAGTTGAGCATTTGTTGGGAAGCAGAGGTCT-3'
Protein context (NP_001317217.1, residues 592-612): FPDKGKEKPT[Asp602Gly]MQNFGLRTDM